The following is an entry in ClinVar:

NM_032588.4(TRIM63):c.160-7C>A

Gene: TRIM63 (tripartite motif containing 63; minus strand). Cytogenetic location: 1p36.11.
Variant type: single nucleotide variant.
Coding change: c.160-7C>A on transcript NM_032588.4 (MANE Select); 7 bases into the intron before coding-DNA position 160, C replaced by A.
Molecular consequence: intron variant.
Genome position (GRCh38, 1-based): chr1:26,066,447, G>T on the plus strand (C>A on the coding strand, the complement: TRIM63 is on the minus strand). VCF-style: chr1-26066447-G-T. GRCh37 (hg19) VCF-style: chr1-26392938-G-T.
Identifiers: ClinVar variation 4984138 (VCV004984138.1).

ClinVar aggregate classification (germline): Likely benign (1 of 4 stars; one submission).

Conditions:
TRIM63-related disorder. Also called: TRIM63-related condition.

Submission:

PreventionGenetics, part of Exact Sciences
Classification: Likely benign for TRIM63-related condition. Last evaluated: 2026-04-07. Review status: criteria provided, single submitter. Criteria: ACMG Guidelines, 2015. Collection method: clinical testing. Allele origin: germline.
Comment: This variant is classified as likely benign based on ACMG/AMP sequence variant interpretation guidelines (Richards et al. 2015 PMID: 25741868, with internal and published modifications).